The following is an entry in ClinVar:

ClinVar aggregate classification (germline): Uncertain significance (1 of 4 stars; one submission).

Conditions:
ALG12-congenital disorder of glycosylation (CDG1G). Also called: Congenital disorder of glycosylation, type Ig; ALG12-CDG; CDG Ig. Identifiers: Orphanet 79324, MedGen C2931001, MONDO:0011783, OMIM 607143.

Allele frequency attached by ClinVar (database versions not stated): gnomAD exomes below 0.00001; ExAC 0.00001; gnomAD 0.00003; TOPMed 0.00003.
gnomAD v4.1: 5 of 1,613,874 alleles (0.00031%); highest among the groups gnomAD compares: African/African-American, 0.0067%; no homozygotes.

Submission:

Labcorp Genetics (formerly Invitae), Labcorp
Classification: Uncertain significance for ALG12-congenital disorder of glycosylation. Last evaluated: 2023-03-27. Review status: criteria provided, single submitter. Criteria: Invitae Variant Classification Sherloc (09022015). Collection method: clinical testing. Allele origin: germline.
Comment: In summary, the available evidence is currently insufficient to determine the role of this variant in disease. Therefore, it has been classified as a Variant of Uncertain Significance. Advanced modeling of protein sequence and biophysical properties (such as structural, functional, and spatial information, amino acid conservation, physicochemical variation, residue mobility, and thermodynamic stability) performed at Invitae indicates that this missense variant is not expected to disrupt ALG12 protein function. ClinVar contains an entry for this variant (Variation ID: 2043844). This variant has not been reported in the literature in individuals affected with ALG12-related conditions. This variant is present in population databases (rs746066242, gnomAD 0.01%). This sequence change replaces methionine, which is neutral and non-polar, with isoleucine, which is neutral and non-polar, at codon 90 of the ALG12 protein (p.Met90Ile).

NM_024105.4(ALG12):c.270G>A (p.Met90Ile)

Gene: ALG12 (ALG12 alpha-1,6-mannosyltransferase; minus strand). Cytogenetic location: 22q13.33.
Variant type: single nucleotide variant.
Coding change: c.270G>A on transcript NM_024105.4 (MANE Select); coding-DNA position 270, G replaced by A.
Protein change: p.Met90Ile; replaces methionine 90 with isoleucine.
Molecular consequence: missense variant.
Genome position (GRCh38, 1-based): chr22:49,913,410, C>T on the plus strand (G>A on the coding strand, the complement: ALG12 is on the minus strand). VCF-style: chr22-49913410-C-T. GRCh37 (hg19) VCF-style: chr22-50307058-C-T.
Other names: short protein forms M90I.
Identifiers: ClinVar variation 2043844 (VCV002043844.2), dbSNP rs746066242, ClinGen allele CA10300682.